The following is an entry in ClinVar:

ClinVar aggregate classification (germline): Likely benign (1 of 4 stars; one submission).

Conditions:
MLIP-related disorder. Also called: MLIP-related condition.

Submission:

PreventionGenetics, part of Exact Sciences
Classification: Likely benign for MLIP-related condition. Last evaluated: 2026-05-06. Review status: criteria provided, single submitter. Criteria: ACMG Guidelines, 2015. Collection method: clinical testing. Allele origin: germline.
Comment: This variant is classified as likely benign based on ACMG/AMP sequence variant interpretation guidelines (Richards et al. 2015 PMID: 25741868, with internal and published modifications).

NM_001281747.2(MLIP):c.2977-9A>T

Gene: MLIP (muscular LMNA interacting protein; plus strand). Cytogenetic location: 6p12.1.
Variant type: single nucleotide variant.
Coding change: c.2977-9A>T on transcript NM_001281747.2 (MANE Select); 9 bases into the intron before coding-DNA position 2977, A replaced by T.
Molecular consequence: intron variant.
Genome position (GRCh38, 1-based): chr6:54,265,941, A>T. VCF-style: chr6-54265941-A-T. GRCh37 (hg19) VCF-style: chr6-54130739-A-T.
Other names: c.1372-9A>T (NM_138569.3).
Identifiers: ClinVar variation 4991042 (VCV004991042.1).
Genomic context (GRCh38, chr6:54,265,941, plus strand): 5'-ATAATTTTCAGGTGTATATTTTTAAATTTATTCATCTTAACCTGACTACCATATTCTCTT[A>T]TTTTACAGCAATGAAGTTGGAGCAGAGGCTGAAAACACAGGCTGCTGAAGTTTTTTGGAA-3'